The following is an entry in ClinVar:

ClinVar aggregate classification (germline): Uncertain significance. Review status: criteria provided, multiple submitters, no conflicts (2 of 4 stars). 3 submissions from 3 submitters: Uncertain significance (2). 1 of the submissions does not count toward it. Last evaluated 2025-06-18.

Conditions:
CC2D2A-related disorder. Also called: CC2D2A-related disorders; CC2D2A-related condition. Identifiers: MedGen CN239313.
Inborn genetic diseases. Identifiers: MedGen C0950123, MeSH D030342.
Joubert syndrome. Also called: Familial aplasia of the vermis; JOUBERT-BOLTSHAUSER SYNDROME. Identifiers: Orphanet 475, MedGen C5979921, MONDO:0018772.
Meckel-Gruber syndrome. Also called: Dysencephalia splachnocystica; DYSENCEPHALIA SPLANCHNOCYSTICA; GRUBER SYNDROME. Identifiers: Orphanet 564, MedGen C0265215, MONDO:0018921.

Allele frequency attached by ClinVar (database versions not stated): gnomAD exomes 0.00001; ExAC 0.00002; TOPMed 0.00002; gnomAD 0.00003; 1000 Genomes Project 30x 0.00016; 1000 Genomes Project 0.00020.
gnomAD v4.1: 11 of 1,561,530 alleles (0.0007%); highest among the groups gnomAD compares: African/African-American, 0.014%; no homozygotes.

Submissions (3):

Ambry Genetics
Classification: Uncertain significance for Inborn genetic diseases. Last evaluated: 2025-06-18. Review status: criteria provided, single submitter. Criteria: Ambry Variant Classification Scheme 2023. Collection method: clinical testing. Allele origin: germline.

Labcorp Genetics (formerly Invitae), Labcorp
Classification: Uncertain significance for Joubert syndrome; Meckel-Gruber syndrome. Last evaluated: 2022-10-20. Review status: criteria provided, single submitter. Criteria: Invitae Variant Classification Sherloc (09022015). Collection method: clinical testing. Allele origin: germline.
Comment: This sequence change replaces lysine, which is basic and polar, with asparagine, which is neutral and polar, at codon 1502 of the CC2D2A protein (p.Lys1502Asn). This variant is present in population databases (rs201316005, gnomAD 0.009%). This variant has not been reported in the literature in individuals affected with CC2D2A-related conditions. Advanced modeling of protein sequence and biophysical properties (such as structural, functional, and spatial information, amino acid conservation, physicochemical variation, residue mobility, and thermodynamic stability) has been performed at Invitae for this missense variant, however the output from this modeling did not meet the statistical confidence thresholds required to predict the impact of this variant on CC2D2A protein function. In summary, the available evidence is currently insufficient to determine the role of this variant in disease. Therefore, it has been classified as a Variant of Uncertain Significance.

PreventionGenetics, part of Exact Sciences
Classification: Uncertain significance for CC2D2A-related condition. Last evaluated: 2024-09-24. Review status: no assertion criteria provided. Collection method: clinical testing. Allele origin: germline. Not counted in ClinVar's aggregate classification.
Comment: The CC2D2A c.4506A>C variant is predicted to result in the amino acid substitution p.Lys1502Asn. To our knowledge, this variant has not been reported in the literature. This variant is reported in 0.0089% of alleles in individuals of African descent in gnomAD. At this time, the clinical significance of this variant is uncertain due to the absence of conclusive functional and genetic evidence.

NM_001378615.1(CC2D2A):c.4506A>C (p.Lys1502Asn)

Genes: CC2D2A (coiled-coil and C2 domain containing 2A; plus strand), FBXL5 (F-box and leucine rich repeat protein 5; minus strand). Cytogenetic location: 4p15.32.
Variant type: single nucleotide variant.
Coding change: c.4506A>C on transcript NM_001378615.1 (MANE Select); coding-DNA position 4506, A replaced by C.
Protein change: p.Lys1502Asn; replaces lysine 1502 with asparagine.
Molecular consequence: missense variant.
Genome position (GRCh38, 1-based): chr4:15,599,538, A>C. VCF-style: chr4-15599538-A-C. GRCh37 (hg19) VCF-style: chr4-15601161-A-C.
Other names: c.4506A>C, p.Lys1502Asn (NM_001080522.2); c.4359A>C, p.Lys1453Asn (NM_001378617.1); short protein forms K1453N, K1502N.
Identifiers: ClinVar variation 1989968 (VCV001989968.3), dbSNP rs201316005, ClinGen allele CA2864402.